The following is an entry in ClinVar:

NM_000059.4(BRCA2):c.2287C>G (p.His763Asp)

Gene: BRCA2 (BRCA2 DNA repair associated; plus strand). Cytogenetic location: 13q13.1.
Variant type: single nucleotide variant.
Coding change: c.2287C>G on transcript NM_000059.4 (MANE Select); coding-DNA position 2287, C replaced by G.
Protein change: p.His763Asp; replaces histidine 763 with aspartic acid.
Molecular consequence: missense variant.
Genome position (GRCh38, 1-based): chr13:32,336,642, C>G. VCF-style: chr13-32336642-C-G. GRCh37 (hg19) VCF-style: chr13-32910779-C-G.
Other names: short protein forms H763D.
Identifiers: ClinVar variation 216240 (VCV000216240.31), dbSNP rs863224585, ClinGen allele CA339089.
Genomic context (GRCh38, chr13:32,336,642, plus strand): 5'-CATTCAAAAGTGGAATACAGTGATACTGACTTTCAATCCCAGAAAAGTCTTTTATATGAT[C>G]ATGAAAATGCCAGCACTCTTATTTTAACTCCTACTTCCAAGGATGTTCTGTCAAACCTAG-3'
Protein context (NP_000050.3, residues 753-773): FQSQKSLLYD[His763Asp]ENASTLILTP

ClinVar aggregate classification (germline): Conflicting classifications of pathogenicity. Review status: criteria provided, conflicting classifications (1 of 4 stars). 11 submissions from 11 submitters: Uncertain significance (6); Likely benign (4). 1 of the submissions does not count toward it. Last evaluated 2025-08-27.

Conditions:
Hereditary cancer-predisposing syndrome. Also called: Neoplastic Syndromes, Hereditary; Tumor predisposition; Hereditary Cancer Syndrome; Hereditary neoplastic syndrome. Identifiers: Orphanet 140162, MedGen C0027672, MeSH D009386, MONDO:0015356.
Hereditary breast ovarian cancer syndrome. Also called: Hereditary breast and ovarian cancer syndrome; Hereditary breast and ovarian cancer; Hereditary breast and ovarian cancer syndrome (HBOC); Breast and ovarian cancer; Hereditary breast and/or ovarian cancer syndrome; BRCA1- and BRCA2-Associated Hereditary Breast and Ovarian Cancer. Identifiers: Orphanet 145, MedGen C0677776, MeSH D061325, MONDO:0003582. Disease mechanism: loss of function.
Breast-ovarian cancer, familial, susceptibility to, 2 (BROVCA2). Also called: BRCA2 Hereditary Breast and Ovarian Cancer. Identifiers: Orphanet 145, MedGen C2675520, MONDO:0012933, OMIM 612555. Disease mechanism: loss of function.
Malignant tumor of breast. Also called: Cancer breast; Malignant breast neoplasm. Identifiers: MedGen C0006142, MONDO:0007254. Disease mechanism: loss of function.

Allele frequency attached by ClinVar (database versions not stated): gnomAD exomes below 0.00001; TOPMed below 0.00001; gnomAD 0.00001.
gnomAD v4.1: 4 of 1,613,832 alleles (0.00025%); highest among the groups gnomAD compares: Admixed American, 0.0017%; no homozygotes.

Submissions (11):

GeneDx
Classification: Uncertain significance. Last evaluated: 2025-08-27. Review status: criteria provided, single submitter. Criteria: GeneDx Variant Classification Process June 2021. Collection method: clinical testing. Allele origin: germline. Affected: yes.
Comment: Has not been previously published as pathogenic or benign to our knowledge; Not observed at significant frequency in large population cohorts (gnomAD); In silico analysis supports that this missense variant has a deleterious effect on protein structure/function; Also known as 2515C>G; This variant is associated with the following publications: (PMID: 32377563, 31853058, 28726806, 29884841)

Ambry Genetics
Classification: Uncertain significance for Hereditary cancer-predisposing syndrome. Last evaluated: 2025-08-07. Review status: criteria provided, single submitter. Criteria: Ambry Variant Classification Scheme 2023. Collection method: clinical testing. Allele origin: germline.
Comment: The p.H763D variant (also known as c.2287C>G), located in coding exon 10 of the BRCA2 gene, results from a C to G substitution at nucleotide position 2287. The histidine at codon 763 is replaced by aspartic acid, an amino acid with similar properties. This amino acid position is not well conserved in available vertebrate species. In addition, this alteration is predicted to be tolerated by in silico analysis. Since supporting evidence is limited at this time, the clinical significance of this alteration remains unclear.

Labcorp Genetics (formerly Invitae), Labcorp
Classification: Uncertain significance for Hereditary breast ovarian cancer syndrome. Last evaluated: 2025-01-26. Review status: criteria provided, single submitter. Criteria: Invitae Variant Classification Sherloc (09022015). Collection method: clinical testing. Allele origin: germline.
Comment: This sequence change replaces histidine, which is basic and polar, with aspartic acid, which is acidic and polar, at codon 763 of the BRCA2 protein (p.His763Asp). This variant is present in population databases (no rsID available, gnomAD no frequency). This variant has not been reported in the literature in individuals affected with BRCA2-related conditions. ClinVar contains an entry for this variant (Variation ID: 216240). Invitae Evidence Modeling of protein sequence and biophysical properties (such as structural, functional, and spatial information, amino acid conservation, physicochemical variation, residue mobility, and thermodynamic stability) indicates that this missense variant is not expected to disrupt BRCA2 protein function with a negative predictive value of 95%. In summary, the available evidence is currently insufficient to determine the role of this variant in disease. Therefore, it has been classified as a Variant of Uncertain Significance.

Blueprint Genetics
Classification: Likely benign. Last evaluated: 2024-08-06. Review status: criteria provided, single submitter. Criteria: ACMG Guidelines, 2015. Collection method: clinical testing. Allele origin: germline.

All of Us Research Program, National Institutes of Health
Classification: Likely benign for Breast-ovarian cancer, familial, susceptibility to, 2. Last evaluated: 2023-12-07. Review status: criteria provided, single submitter. Criteria: ACMG Guidelines, 2015. Collection method: clinical testing. Allele origin: germline. Inheritance: Autosomal dominant inheritance. Observed: 1 variant allele, 1 heterozygote.
Comment: This study involves interpretation of variants in research participants for the purpose of population health screening. Participant phenotype was not available at the time of variant classification. Additional details can be found in publication PMID: 35346344, PMCID: PMC8962531

University of Washington Department of Laboratory Medicine, University of Washington
Classification: Likely benign for Hereditary cancer-predisposing syndrome. Last evaluated: 2023-03-23. Review status: criteria provided, single submitter. Criteria: Dines et al. (Genet Med. 2020). Collection method: curation. Allele origin: germline.
Comment: Missense variant in a coldspot region where missense variants are very unlikely to be pathogenic (PMID:31911673).

BRCA2 exon 11 coldspot. Reclassification based on statistical prior probability.

Women's Health and Genetics/Laboratory Corporation of America, LabCorp
Classification: Uncertain significance. Last evaluated: 2021-11-17. Review status: criteria provided, single submitter. Criteria: LabCorp Variant Classification Summary - May 2015. Collection method: clinical testing. Allele origin: germline.

Quest Diagnostics Nichols Institute San Juan Capistrano
Classification: Uncertain significance. Last evaluated: 2019-01-30. Review status: criteria provided, single submitter. Criteria: Quest Diagnostics criteria. Collection method: clinical testing. Allele origin: germline.

Color Diagnostics, LLC DBA Color Health
Classification: Likely benign for Hereditary cancer-predisposing syndrome. Last evaluated: 2017-09-23. Review status: criteria provided, single submitter. Criteria: ACMG Guidelines, 2015. Collection method: clinical testing. Allele origin: germline.

Department of Pathology and Molecular Medicine, Queen's University
Classification: Uncertain significance. Last evaluated: 2017-04-20. Review status: criteria provided, single submitter. Criteria: ACMG Guidelines, 2015. Collection method: clinical testing. Allele origin: germline. Study: The Canadian Open Genetics Repository (COGR).

Department of Pathology and Laboratory Medicine, Sinai Health System
Classification: Uncertain significance for Malignant tumor of breast. Review status: no assertion criteria provided. Collection method: clinical testing. Allele origin: unknown. Affected: yes. Study: The Canadian Open Genetics Repository (COGR). Not counted in ClinVar's aggregate classification.
Comment: The BRCA2 p.His763Asp variant was not identified in the literature nor was it identified in the LOVD 3.0 or UMD LSDB databases. The variant was identified in dSNP (rs863224585) as "With Uncertain significance allele", and in ClinVar (classified as uncertain significance by Invitae, Ambry Genetics and COGR). The variant was identified in control databases in 1 of 30954 chromosomes at a frequency of 0.00003 (Genome Aggregation Database Feb 27, 2017). The variant was observed in the Other population in 1 of 982 chromosomes (freq: 0.001), while the variant was not observed in the European, African, Latino, Ashkenazi Jewish, East Asian, Finnish, or South Asian populations. The p.His763 residue is not conserved in mammals and four out of five computational analyses (PolyPhen-2, SIFT, AlignGVGD, BLOSUM, MutationTaster) do not suggest a high likelihood of impact to the protein; however, this information is not predictive enough to rule out pathogenicity. The variant occurs outside of the splicing consensus sequence and in silico or computational prediction software programs (SpliceSiteFinder, MaxEntScan, NNSPLICE, GeneSplicer) do not predict a difference in splicing. In summary, based on the above information, the clinical significance of this variant cannot be determined with certainty at this time. This variant is classified as a variant of uncertain significance.

Literature cited by the submitters: PubMed 28726806 (cited by Quest Diagnostics Nichols Institute San Juan Capistrano).